The following is an entry in ClinVar:

ClinVar aggregate classification (germline): Uncertain significance (1 of 4 stars; one submission).

gnomAD v4.1: 3 of 1,614,116 alleles (0.00019%); highest among the groups gnomAD compares: African/African-American, 0.0013%; no homozygotes.

Submission:

Labcorp Genetics (formerly Invitae), Labcorp
Classification: Uncertain significance. Last evaluated: 2024-12-16. Review status: criteria provided, single submitter. Criteria: Invitae Variant Classification Sherloc (09022015). Collection method: clinical testing. Allele origin: germline.
Comment: This sequence change replaces glycine, which is neutral and non-polar, with aspartic acid, which is acidic and polar, at codon 30 of the HPS4 protein (p.Gly30Asp). This variant is present in population databases (no rsID available, gnomAD 0.007%). This variant has not been reported in the literature in individuals affected with HPS4-related conditions. An algorithm developed to predict the effect of missense changes on protein structure and function (PolyPhen-2) suggests that this variant is likely to be disruptive. In summary, the available evidence is currently insufficient to determine the role of this variant in disease. Therefore, it has been classified as a Variant of Uncertain Significance.

NM_022081.6(HPS4):c.89G>A (p.Gly30Asp)

Gene: HPS4 (HPS4 biogenesis of lysosomal organelles complex 3 subunit 2; minus strand). Cytogenetic location: 22q12.1.
Variant type: single nucleotide variant.
Coding change: c.89G>A on transcript NM_022081.6 (MANE Select); coding-DNA position 89, G replaced by A.
Protein change: p.Gly30Asp; replaces glycine 30 with aspartic acid.
Molecular consequence: missense variant. On other transcripts: non-coding transcript variant (8).
Genome position (GRCh38, 1-based): chr22:26,479,308, C>T on the plus strand (G>A on the coding strand, the complement: HPS4 is on the minus strand). VCF-style: chr22-26479308-C-T. GRCh37 (hg19) VCF-style: chr22-26875274-C-T.
Other names: c.89G>A, p.Gly30Asp (NM_001349901.1, NM_001349902.1, NM_001349903.2 and 7 more transcripts); c.74G>A, p.Gly25Asp (NM_152841.2); short protein forms G25D, G30D.
Identifiers: ClinVar variation 3624834 (VCV003624834.2).